The following is an entry in ClinVar:

NM_007294.4(BRCA1):c.410_415dup (p.Leu138_Gln139insLeuLeu)

Gene: BRCA1 (BRCA1 DNA repair associated; minus strand). Cytogenetic location: 17q21.31.
Variant type: Duplication.
Coding change: c.410_415dup on transcript NM_007294.4 (MANE Select); coding-DNA positions 410 to 415, 6 bases duplicated (TTCTAC; older notation c.410_415dupTTCTAC).
Protein change: p.Leu138_Gln139insLeuLeu.
Molecular consequence: intron variant (on NM_001407967.1).
Genome position (GRCh38, 1-based): chr17:43,104,148-43,104,153, GTAGAA duplicated on the plus strand (TTCTAC on the coding strand, the reverse complement: BRCA1 is on the minus strand); duplicating any 6 consecutive bases within chr17:43,104,148-43,104,155 gives the same sequence; the c. name uses the placement nearest the transcript's 3' end. VCF-style (leftmost placement, unchanged base first): chr17-43104147-T-TGTAGAA. GRCh37 (hg19) VCF-style: chr17-41256164-T-TGTAGAA.
Other names: c.410_415dup, p.Leu138_Gln139insLeuLeu (NM_001407610.1, NM_001407611.1, NM_001407605.1 and 164 more transcripts); c.200_205dup, p.Leu68_Gln69insLeuLeu (NM_001407571.1, NM_001408478.1, NM_001408479.1 and 58 more transcripts); c.269_274dup, p.Leu91_Gln92insLeuLeu (NM_001408468.1, NM_001408469.1, NM_001408470.1 and 99 more transcripts); c.332_337dup, p.Leu112_Gln113insLeuLeu (NM_001408474.1, NM_001408475.1, NM_001408476.1 and 21 more transcripts); c.29_34dup, p.Leu11_Gln12insLeuLeu (NM_001408510.1, NM_001408512.1, NM_001407959.1 and 4 more transcripts); c.-218-9293_-218-9288dup (NM_001407967.1, NM_001407966.1); c.401_406dup, p.Leu135_Gln136insLeuLeu (NM_001407646.1, NM_001407647.1, NM_001408408.1); c.278_283dup, p.Leu94_Gln95insLeuLeu (NM_001408451.1).
Identifiers: ClinVar variation 3728206 (VCV003728206.2).

ClinVar aggregate classification (germline): Uncertain significance (1 of 4 stars; one submission).

Conditions:
Hereditary breast ovarian cancer syndrome. Also called: Hereditary breast and ovarian cancer syndrome; Hereditary breast and/or ovarian cancer syndrome; Hereditary breast and ovarian cancer; Hereditary breast and ovarian cancer syndrome (HBOC); Breast and ovarian cancer; BRCA1- and BRCA2-Associated Hereditary Breast and Ovarian Cancer. Identifiers: Orphanet 145, MedGen C0677776, MeSH D061325, MONDO:0003582. Disease mechanism: loss of function.

Submission:

Labcorp Genetics (formerly Invitae), Labcorp
Classification: Uncertain significance for Hereditary breast ovarian cancer syndrome. Last evaluated: 2024-12-29. Review status: criteria provided, single submitter. Criteria: Invitae Variant Classification Sherloc (09022015). Collection method: clinical testing. Allele origin: germline.
Comment: This variant, c.410_415dup, results in the insertion of 2 amino acid(s) of the BRCA1 protein (p.Leu137_Leu138dup), but otherwise preserves the integrity of the reading frame. This variant is not present in population databases (gnomAD no frequency). This variant has not been reported in the literature in individuals affected with BRCA1-related conditions. In summary, the available evidence is currently insufficient to determine the role of this variant in disease. Therefore, it has been classified as a Variant of Uncertain Significance.